The following is an entry in ClinVar:

NM_005859.5(PURA):c.-20_142del (p.Met1_Gly48del)

Gene: PURA (purine rich element binding protein A; plus strand). Cytogenetic location: 5q31.3.
Variant type: Deletion.
Coding change: c.-20_142del on transcript NM_005859.5 (MANE Select); 20 bases upstream of the start codon through coding-DNA position 142, 162 bases deleted.
Protein change: p.Met1_Gly48del.
Molecular consequence: inframe deletion, initiator codon variant.
Genome position (GRCh38, 1-based): chr5:140,114,162-140,114,323, 162 bases deleted. GRCh37 (hg19): chr5:139,493,747-139,493,908.
Identifiers: ClinVar variation 3149818 (VCV003149818.1), dbSNP rs2479503377, ClinGen allele CA2825001390.

ClinVar aggregate classification (germline): Pathogenic (1 of 4 stars; one submission).

Conditions:
Inborn genetic diseases. Identifiers: MedGen C0950123, MeSH D030342.

Submission:

Ambry Genetics
Classification: Pathogenic for Inborn genetic diseases. Last evaluated: 2023-11-22. Review status: criteria provided, single submitter. Criteria: Ambry Variant Classification Scheme 2023. Collection method: clinical testing. Allele origin: germline.
Comment: The c.-20_142del162 (p.M1?) alteration is located in coding exon 1 of the PURA gene and results from a deletion of 162 nucleotides at position -20 to 142. This deletion likely includes the initiation codon. Sequence variations that modify the initiation codon are expected to result in either loss of translation initiation, N-terminal truncation, or cause a shift in the mRNA reading frame. This variant was not reported in population-based cohorts in the Genome Aggregation Database (gnomAD). This region is not highly conserved in available vertebrate species with limited sequence alignment. Based on the available evidence, this alteration is classified as pathogenic.